The following is an entry in ClinVar:

NM_020964.3(EPG5):c.35AGGCCA[3] (p.12KA[3])

Gene: EPG5 (ectopic P-granules 5 autophagy tethering factor; minus strand). Cytogenetic location: 18q21.1.
Variant type: Microsatellite.
Coding change: c.35AGGCCA[3] on transcript NM_020964.3 (MANE Select); three copies in a row of the 6-base unit AGGCCA starting at c.35; the reference has two copies in a row; one copy, 6 bases duplicated; also written c.41_46dup.
Protein change: p.12KA[3].
Molecular consequence: inframe insertion.
Genome position (GRCh38, 1-based): chr18:45,967,194-45,967,199, TGGCCT duplicated on the plus strand (AGGCCA on the coding strand, the reverse complement: EPG5 is on the minus strand); duplicating any 6 consecutive bases within chr18:45,967,194-45,967,210 gives the same sequence; the position shown is the placement nearest the transcript's 3' end. VCF-style (leftmost placement, unchanged base first): chr18-45967193-C-CTGGCCT. GRCh37 (hg19) VCF-style: chr18-43547159-C-CTGGCCT.
Other names: c.41_46dup (NM_020964.2); c.41_46dup6 (NM_020964.2).
Identifiers: ClinVar variation 654830 (VCV000654830.10), dbSNP rs769267797, ClinGen allele CA8950032.

ClinVar aggregate classification (germline): Uncertain significance. Review status: criteria provided, multiple submitters, no conflicts (2 of 4 stars). 4 submissions from 4 submitters: Uncertain significance (4). Last evaluated 2026-08-06.

Conditions:
Inborn genetic diseases. Identifiers: MedGen C0950123, MeSH D030342.
Vici syndrome (VICIS). Identifiers: Orphanet 1493, MedGen C1855772, MONDO:0009452, OMIM 242840.
EPG5-related disorder. Also called: EPG5-related condition. Identifiers: MedGen CN381528.

Submissions (4):

OLLIN Analises Genomicas, OLLIN
Classification: Uncertain significance for Vici syndrome. Last evaluated: 2026-08-06. Review status: criteria provided, single submitter. Criteria: ACMG Guidelines 2015 PMID 25741868. Collection method: clinical testing. Allele origin: germline. Inheritance: Autosomal recessive inheritance.
Comment: This in-frame duplication, located in exon 1 (of 44), has been reported in ClinVar (accession VCV000654830.9) and in gnomAD with an allele frequency of 0.026%. However, to our knowledge, it has not been reported in the scientific literature. This variant adds 2 amino acids, preserving the reading frame and leading to an increased protein length. According to the currently available evidence, this variant has been classified as uncertain significance (PM2_P).

PreventionGenetics, part of Exact Sciences
Classification: Uncertain significance for EPG5-related condition. Last evaluated: 2026-06-03. Review status: criteria provided, single submitter. Criteria: ACMG Guidelines, 2015. Collection method: clinical testing. Allele origin: germline.
Comment: The EPG5 c.41_46dup6 variant is predicted to result in an in-frame duplication (p.Lys14_Ala15dup). This variant has been reported in the homozygous state in an individual with Vici syndrome (Described as c.46-47insAGGCCA, Mahjoubi et al 2022. PubMed ID: 35846893); however, second homozygous variant in the gene was also present in the individual. This variant is reported in 0.11% of alleles in individuals of East Asian descent in gnomAD. At this time, the clinical significance of this variant is uncertain due to the absence of conclusive functional and genetic evidence.

Labcorp Genetics (formerly Invitae), Labcorp
Classification: Uncertain significance for Vici syndrome. Last evaluated: 2025-01-27. Review status: criteria provided, single submitter. Criteria: Invitae Variant Classification Sherloc (09022015). Collection method: clinical testing. Allele origin: germline.
Comment: This variant, c.41_46dup, results in the insertion of 2 amino acid(s) of the EPG5 protein (p.Lys14_Ala15dup), but otherwise preserves the integrity of the reading frame. This variant is present in population databases (rs769267797, gnomAD 0.1%). This variant has been observed in individual(s) with Vici syndrome (PMID: 35846893). This variant is also known as c.46-47insAGGCCA: p.S16delinsKAS. ClinVar contains an entry for this variant (Variation ID: 654830). Experimental studies and prediction algorithms are not available or were not evaluated, and the functional significance of this variant is currently unknown. In summary, the available evidence is currently insufficient to determine the role of this variant in disease. Therefore, it has been classified as a Variant of Uncertain Significance.

Ambry Genetics
Classification: Uncertain significance for Inborn genetic diseases. Last evaluated: 2023-10-26. Review status: criteria provided, single submitter. Criteria: Ambry Variant Classification Scheme 2023. Collection method: clinical testing. Allele origin: germline.
Comment: The c.41_46dupAGGCCA (p.K14_A15dup) alteration is located in exon 1 (coding exon 1) of the EPG5 gene. The alteration consists of an in-frame duplication of 6 nucleotides from position 41 to 46, resulting in the duplication of 2 residues. Based on insufficient or conflicting evidence, the clinical significance of this alteration remains unclear.

Literature cited by the submitters: PubMed 35846893 (cited by Labcorp Genetics (formerly Invitae), Labcorp and Ambry Genetics).